The following is an entry in ClinVar:

NM_003000.3(SDHB):c.272G>C (p.Arg91Thr)

Gene: SDHB (succinate dehydrogenase complex iron sulfur subunit B; minus strand). Cytogenetic location: 1p36.13.
Variant type: single nucleotide variant.
Coding change: c.272G>C on transcript NM_003000.3 (MANE Select); coding-DNA position 272, G replaced by C.
Protein change: p.Arg91Thr; replaces arginine 91 with threonine.
Molecular consequence: missense variant.
Genome position (GRCh38, 1-based): chr1:17,033,074, C>G on the plus strand (G>C on the coding strand, the complement: SDHB is on the minus strand). VCF-style: chr1-17033074-C-G. GRCh37 (hg19) VCF-style: chr1-17359569-C-G.
Other names: c.272G>C, p.Arg91Thr (NM_001407361.1); short protein forms R91T.
Identifiers: ClinVar variation 2953788 (VCV002953788.3), dbSNP rs2078031940, ClinGen allele CA338276437.

ClinVar aggregate classification (germline): Uncertain significance (1 of 4 stars; one submission).

Conditions:
Pheochromocytoma. Also called: MAX-Related Hereditary Paraganglioma-Pheochromocytoma Syndrome. Identifiers: Orphanet 29072, MedGen C0031511, MONDO:0008233, OMIM 171300, HP:0002666.
Gastrointestinal stromal tumor. Also called: Gastrointestinal stromal tumor, somatic; Gastrointestinal stroma tumor. Identifiers: Orphanet 44890, MedGen C0238198, MeSH D046152, MONDO:0011719, OMIM 606764, HP:0100723.
Pheochromocytoma/paraganglioma syndrome 4. Also called: CAROTID BODY TUMORS AND MULTIPLE EXTRAADRENAL PHEOCHROMOCYTOMAS; PARAGANGLIOMA, FAMILIAL MALIGNANT; PARAGANGLIOMAS, HEREDITARY EXTRAADRENAL; PHEOCHROMOCYTOMA, FAMILIAL EXTRAADRENAL; Paragangliomas 4; SDHB-Related Hereditary Paraganglioma-Pheochromocytoma Syndrome (Paragangliomas 4). Identifiers: Orphanet 29072, MedGen C1861848, MONDO:0007273, OMIM 115310.

Submission:

Labcorp Genetics (formerly Invitae), Labcorp
Classification: Uncertain significance for Gastrointestinal stromal tumor; Pheochromocytoma/paraganglioma syndrome 4; Pheochromocytoma. Last evaluated: 2024-04-17. Review status: criteria provided, single submitter. Criteria: Invitae Variant Classification Sherloc (09022015). Collection method: clinical testing. Allele origin: germline.
Comment: This sequence change replaces arginine, which is basic and polar, with threonine, which is neutral and polar, at codon 91 of the SDHB protein (p.Arg91Thr). This variant is not present in population databases (gnomAD no frequency). This variant has not been reported in the literature in individuals affected with SDHB-related conditions. Advanced modeling of protein sequence and biophysical properties (such as structural, functional, and spatial information, amino acid conservation, physicochemical variation, residue mobility, and thermodynamic stability) performed at Invitae indicates that this missense variant is expected to disrupt SDHB protein function with a positive predictive value of 80%. In summary, the available evidence is currently insufficient to determine the role of this variant in disease. Therefore, it has been classified as a Variant of Uncertain Significance.